The following is an entry in ClinVar:

ClinVar aggregate classification (germline): Uncertain significance. Review status: criteria provided, multiple submitters, no conflicts (2 of 4 stars). 2 submissions from 2 submitters: Uncertain significance (2). Last evaluated 2025-02-11.

gnomAD v4.1: 4 of 1,610,168 alleles (0.00025%); highest among the groups gnomAD compares: African/African-American, 0.004%; no homozygotes.

Submissions (2):

GeneDx
Classification: Uncertain significance. Last evaluated: 2025-02-11. Review status: criteria provided, single submitter. Criteria: GeneDx Variant Classification Process June 2021. Collection method: clinical testing. Allele origin: germline. Affected: yes.
Comment: Not observed at significant frequency in large population cohorts (gnomAD); In silico analysis supports that this missense variant has a deleterious effect on protein structure/function; Has not been previously published as pathogenic or benign to our knowledge

Labcorp Genetics (formerly Invitae), Labcorp
Classification: Uncertain significance. Last evaluated: 2022-06-11. Review status: criteria provided, single submitter. Criteria: Invitae Variant Classification Sherloc (09022015). Collection method: clinical testing. Allele origin: germline.
Comment: This sequence change replaces threonine, which is neutral and polar, with arginine, which is basic and polar, at codon 980 of the CDH23 protein (p.Thr980Arg). This variant is present in population databases (no rsID available, gnomAD 0.01%). This variant has not been reported in the literature in individuals affected with CDH23-related conditions. Algorithms developed to predict the effect of missense changes on protein structure and function are either unavailable or do not agree on the potential impact of this missense change (SIFT: "Deleterious"; PolyPhen-2: "Not Available"; Align-GVGD: "Class C65"). In summary, the available evidence is currently insufficient to determine the role of this variant in disease. Therefore, it has been classified as a Variant of Uncertain Significance.

NM_022124.6(CDH23):c.2939C>G (p.Thr980Arg)

Gene: CDH23 (cadherin related 23; plus strand). Cytogenetic location: 10q22.1.
Variant type: single nucleotide variant.
Coding change: c.2939C>G on transcript NM_022124.6 (MANE Select); coding-DNA position 2939, C replaced by G.
Protein change: p.Thr980Arg; replaces threonine 980 with arginine.
Molecular consequence: missense variant.
Genome position (GRCh38, 1-based): chr10:71,705,116, C>G. VCF-style: chr10-71705116-C-G. GRCh37 (hg19) VCF-style: chr10-73464873-C-G.
Other names: c.2939C>G, p.Thr980Arg (NM_001171930.2, NM_001171931.2); c.2939C>G (NM_022124.5); short protein forms T980R.
Identifiers: ClinVar variation 2177050 (VCV002177050.4), dbSNP rs535416598, ClinGen allele CA209455141.